The following is an entry in ClinVar:

NM_004204.5(PIGQ):c.1397A>G (p.Tyr466Cys)

Gene: PIGQ (phosphatidylinositol glycan anchor biosynthesis class Q; plus strand). Cytogenetic location: 16p13.3.
Variant type: single nucleotide variant.
Coding change: c.1397A>G on transcript NM_004204.5 (MANE Select); coding-DNA position 1397, A replaced by G.
Protein change: p.Tyr466Cys; replaces tyrosine 466 with cysteine.
Molecular consequence: missense variant.
Genome position (GRCh38, 1-based): chr16:580,244, A>G. VCF-style: chr16-580244-A-G. GRCh37 (hg19) VCF-style: chr16-630244-A-G.
Other names: c.1397A>G, p.Tyr466Cys (NM_148920.4); short protein forms Y466C.
Identifiers: ClinVar variation 1356188 (VCV001356188.8), dbSNP rs368650262, ClinGen allele CA7780261.

ClinVar aggregate classification (germline): Uncertain significance (1 of 4 stars; one submission).

Conditions:
Epilepsy. Also called: Seizure disorder. Identifiers: MedGen C0014544, MeSH D004827, MONDO:0005027.

Allele frequency attached by ClinVar (database versions not stated): gnomAD exomes below 0.00001; ExAC 0.00001; TOPMed 0.00002; ESP Exome Variant Server 0.00008.

Submission:

Labcorp Genetics (formerly Invitae), Labcorp
Classification: Uncertain significance for Epilepsy. Last evaluated: 2021-05-25. Review status: criteria provided, single submitter. Criteria: Invitae Variant Classification Sherloc (09022015). Collection method: clinical testing. Allele origin: germline.
Comment: In summary, the available evidence is currently insufficient to determine the role of this variant in disease. Therefore, it has been classified as a Variant of Uncertain Significance. Algorithms developed to predict the effect of missense changes on protein structure and function are either unavailable or do not agree on the potential impact of this missense change (SIFT: "Deleterious"; PolyPhen-2: "Probably Damaging"; Align-GVGD: "Class C0"). This variant has not been reported in the literature in individuals with PIGQ-related conditions. This variant is present in population databases (rs368650262, ExAC 0.002%). This sequence change replaces tyrosine with cysteine at codon 466 of the PIGQ protein (p.Tyr466Cys). The tyrosine residue is highly conserved and there is a large physicochemical difference between tyrosine and cysteine.